The following is an entry in ClinVar:

ClinVar aggregate classification (germline): Uncertain significance (1 of 4 stars; one submission).

Conditions:
Cardiovascular phenotype. Identifiers: MedGen CN230736.

Submission:

Ambry Genetics
Classification: Uncertain significance for Cardiovascular phenotype. Last evaluated: 2020-12-21. Review status: criteria provided, single submitter. Criteria: Ambry Variant Classification Scheme 2023. Collection method: clinical testing. Allele origin: germline.
Comment: The p.D1274Y variant (also known as c.3820G>T), located in coding exon 25 of the MYH6 gene, results from a G to T substitution at nucleotide position 3820. The aspartic acid at codon 1274 is replaced by tyrosine, an amino acid with highly dissimilar properties. This amino acid position is highly conserved in available vertebrate species. In addition, this alteration is predicted to be deleterious by in silico analysis. Since supporting evidence is limited at this time, the clinical significance of this alteration remains unclear.

NM_002471.4(MYH6):c.3820G>T (p.Asp1274Tyr)

Gene: MYH6 (myosin heavy chain 6; minus strand). Cytogenetic location: 14q11.2.
Variant type: single nucleotide variant.
Coding change: c.3820G>T on transcript NM_002471.4 (MANE Select); coding-DNA position 3820, G replaced by T.
Protein change: p.Asp1274Tyr; replaces aspartic acid 1274 with tyrosine.
Molecular consequence: missense variant.
Genome position (GRCh38, 1-based): chr14:23,389,632, C>A on the plus strand (G>T on the coding strand, the complement: MYH6 is on the minus strand). VCF-style: chr14-23389632-C-A. GRCh37 (hg19) VCF-style: chr14-23858841-C-A.
Other names: short protein forms D1274Y.
Identifiers: ClinVar variation 1735270 (VCV001735270.2), dbSNP rs1891167841, ClinGen allele CA389003434.